The following is an entry in ClinVar:

NM_021625.5(TRPV4):c.1780C>A (p.Arg594Ser)

Gene: TRPV4 (transient receptor potential cation channel subfamily V member 4; minus strand). Cytogenetic location: 12q24.11.
Variant type: single nucleotide variant.
Coding change: c.1780C>A on transcript NM_021625.5 (MANE Select); coding-DNA position 1780, C replaced by A.
Protein change: p.Arg594Ser; replaces arginine 594 with serine.
Molecular consequence: missense variant.
Genome position (GRCh38, 1-based): chr12:109,792,696, G>T on the plus strand (C>A on the coding strand, the complement: TRPV4 is on the minus strand). VCF-style: chr12-109792696-G-T. GRCh37 (hg19) VCF-style: chr12-110230501-G-T.
Other names: c.1639C>A, p.Arg547Ser (NM_001177428.2); c.1678C>A, p.Arg560Ser (NM_001177431.2); c.1459C>A, p.Arg487Ser (NM_001177433.2); c.1600C>A, p.Arg534Ser (NM_147204.3); short protein forms R487S, R534S, R547S, R560S, R594S.
Identifiers: ClinVar variation 1224354 (VCV001224354.3), dbSNP rs868185064, ClinGen allele CA386652192.

ClinVar aggregate classification (germline): Conflicting classifications of pathogenicity. Review status: criteria provided, conflicting classifications (1 of 4 stars). 2 submissions from 2 submitters: Likely pathogenic (1); Uncertain significance (1). Last evaluated 2025-08-11.

Conditions:
TRPV4-related disorder. Also called: TRPV4-related condition; TRPV4-related disorders.
Charcot-Marie-Tooth disease axonal type 2C (HMSN2C). Also called: Charcot-Marie-Tooth Disease Type 2, TRPV4-Related (CMT2C); CHARCOT-MARIE-TOOTH DISEASE, AXONAL, AUTOSOMAL DOMINANT, TYPE 2C; Charcot-Marie-Tooth Neuropathy Type 2C. Identifiers: Orphanet 99937, MedGen C1853710, MONDO:0011633, OMIM 606071.

Submissions (2):

Labcorp Genetics (formerly Invitae), Labcorp
Classification: Uncertain significance for Charcot-Marie-Tooth disease axonal type 2C. Last evaluated: 2025-08-11. Review status: criteria provided, single submitter. Criteria: Invitae Variant Classification Sherloc (09022015). Collection method: clinical testing. Allele origin: germline.
Comment: This sequence change replaces arginine, which is basic and polar, with serine, which is neutral and polar, at codon 594 of the TRPV4 protein (p.Arg594Ser). This variant is not present in population databases (gnomAD no frequency). This missense change has been observed in individual(s) with metatropic dysplasia (PMID: 21658220). ClinVar contains an entry for this variant (Variation ID: 1224354). Invitae Evidence Modeling of protein sequence and biophysical properties (such as structural, functional, and spatial information, amino acid conservation, physicochemical variation, residue mobility, and thermodynamic stability) has been performed for this missense variant. However, the output from this modeling did not meet the statistical confidence thresholds required to predict the impact of this variant on TRPV4 protein function. This variant disrupts the p.Arg594 amino acid residue in TRPV4. Other variant(s) that disrupt this residue have been determined to be pathogenic (PMID: 19232556, 20503319, 20577006, 21573172, 21658220). This suggests that this residue is clinically significant, and that variants that disrupt this residue are likely to be disease-causing. In summary, the available evidence is currently insufficient to determine the role of this variant in disease. Therefore, it has been classified as a Variant of Uncertain Significance.

Blueprint Genetics
Classification: Likely pathogenic for TRPV4-related disorders. Last evaluated: 2018-04-03. Review status: criteria provided, single submitter. Criteria: ACMG Guidelines, 2015. Collection method: clinical testing. Allele origin: germline. Affected: yes. Observed: 1 variant allele.

Literature cited by the submitters: PubMed 21658220 (cited by Labcorp Genetics (formerly Invitae), Labcorp); PubMed 19232556 (cited by Labcorp Genetics (formerly Invitae), Labcorp); PubMed 20503319 (cited by Labcorp Genetics (formerly Invitae), Labcorp); PubMed 20577006 (cited by Labcorp Genetics (formerly Invitae), Labcorp); PubMed 21573172 (cited by Labcorp Genetics (formerly Invitae), Labcorp).